The following is an entry in ClinVar:

ClinVar aggregate classification (germline): Uncertain significance (1 of 4 stars; one submission).

Allele frequency attached by ClinVar (database versions not stated): gnomAD exomes below 0.00001.

Submission:

Labcorp Genetics (formerly Invitae), Labcorp
Classification: Uncertain significance. Last evaluated: 2021-12-08. Review status: criteria provided, single submitter. Criteria: Invitae Variant Classification Sherloc (09022015). Collection method: clinical testing. Allele origin: germline.
Comment: This sequence change creates a premature translational stop signal (p.Arg92*) in the MMP14 gene. It is expected to result in an absent or disrupted protein product. However, the current clinical and genetic evidence is not sufficient to establish whether loss-of-function variants in MMP14 cause disease. This variant is present in population databases (no rsID available, gnomAD 0.0009%). This variant has not been reported in the literature in individuals affected with MMP14-related conditions. In summary, the available evidence is currently insufficient to determine the role of this variant in disease. Therefore, it has been classified as a Variant of Uncertain Significance.

NM_004995.4(MMP14):c.274C>T (p.Arg92Ter)

Gene: MMP14 (matrix metallopeptidase 14; plus strand). Cytogenetic location: 14q11.2.
Variant type: single nucleotide variant.
Coding change: c.274C>T on transcript NM_004995.4 (MANE Select); coding-DNA position 274, C replaced by T.
Protein change: p.Arg92Ter; replaces arginine 92 with a stop codon.
Molecular consequence: nonsense.
Genome position (GRCh38, 1-based): chr14:22,841,929, C>T. VCF-style: chr14-22841929-C-T. GRCh37 (hg19) VCF-style: chr14-23311138-C-T.
Other names: short protein forms R92*.
Identifiers: ClinVar variation 1449244 (VCV001449244.6), dbSNP rs1192457800, ClinGen allele CA388929473.